The following is an entry in ClinVar:

ClinVar aggregate classification (germline): Uncertain significance. Review status: criteria provided, multiple submitters, no conflicts (2 of 4 stars). 2 submissions from 2 submitters: Uncertain significance (2). Last evaluated 2024-02-15.

Conditions:
Neuropathy, hereditary sensory and autonomic, type 2A (HSAN2A). Also called: HSAN IIA; WNK1-Related HSAN2 (HSAN2A); ACROOSTEOLYSIS, GIACCAI TYPE; ACROOSTEOLYSIS, NEUROGENIC; MORVAN DISEASE; NEUROPATHY, CONGENITAL SENSORY. Identifiers: Orphanet 970, MedGen C2752089, MONDO:0024309, OMIM 201300.
Pseudohypoaldosteronism type 2C (PHA2C). Also called: Pseudohypoaldosteronism Type IIC. Identifiers: Orphanet 757, Orphanet 88940, MedGen C1840391, MONDO:0013778, OMIM 614492.

Allele frequency attached by ClinVar (database versions not stated): gnomAD exomes below 0.00001; TOPMed 0.00001; ExAC 0.00002.

Submissions (2):

Labcorp Genetics (formerly Invitae), Labcorp
Classification: Uncertain significance for Neuropathy, hereditary sensory and autonomic, type 2A; Pseudohypoaldosteronism type 2C. Last evaluated: 2024-02-15. Review status: criteria provided, single submitter. Criteria: Invitae Variant Classification Sherloc (09022015). Collection method: clinical testing. Allele origin: germline.
Comment: This sequence change replaces arginine, which is basic and polar, with histidine, which is basic and polar, at codon 1361 of the WNK1 protein (p.Arg1361His). The frequency data for this variant in the population databases is considered unreliable, as metrics indicate poor data quality at this position in the gnomAD database. This variant has not been reported in the literature in individuals affected with WNK1-related conditions. ClinVar contains an entry for this variant (Variation ID: 471178). Experimental studies and prediction algorithms are not available or were not evaluated, and the functional significance of this variant is currently unknown. In summary, the available evidence is currently insufficient to determine the role of this variant in disease. Therefore, it has been classified as a Variant of Uncertain Significance.

Fulgent Genetics
Classification: Uncertain significance for Neuropathy, hereditary sensory and autonomic, type 2A; Pseudohypoaldosteronism type 2C. Last evaluated: 2022-04-17. Review status: criteria provided, single submitter. Criteria: ACMG Guidelines, 2015. Collection method: clinical testing. Allele origin: unknown.

NM_018979.4(WNK1):c.3326G>A (p.Arg1109His)

Gene: WNK1 (WNK lysine deficient protein kinase 1; plus strand). Cytogenetic location: 12p13.33.
Variant type: single nucleotide variant.
Coding change: c.3326G>A on transcript NM_018979.4 (MANE Select); coding-DNA position 3326, G replaced by A.
Protein change: p.Arg1109His; replaces arginine 1109 with histidine.
Molecular consequence: missense variant.
Genome position (GRCh38, 1-based): chr12:882,027, G>A. VCF-style: chr12-882027-G-A. GRCh37 (hg19) VCF-style: chr12-991193-G-A.
Other names: c.4106G>A, p.Arg1369His (NM_001184985.2); c.2585G>A, p.Arg862His (NM_014823.3); c.4082G>A, p.Arg1361His (NM_213655.5); short protein forms R1109H, R1361H, R1369H, R862H.
Identifiers: ClinVar variation 471178 (VCV000471178.11), dbSNP rs750478389, ClinGen allele CA6382742.